The following is an entry in ClinVar:

NM_001365536.1(SCN9A):c.73C>A (p.Gln25Lys)

Gene: SCN9A (sodium voltage-gated channel alpha subunit 9; minus strand). Cytogenetic location: 2q24.3.
Variant type: single nucleotide variant.
Coding change: c.73C>A on transcript NM_001365536.1 (MANE Select); coding-DNA position 73, C replaced by A.
Protein change: p.Gln25Lys; replaces glutamine 25 with lysine.
Molecular consequence: missense variant.
Genome position (GRCh38, 1-based): chr2:166,311,684, G>T on the plus strand (C>A on the coding strand, the complement: SCN9A is on the minus strand). VCF-style: chr2-166311684-G-T. GRCh37 (hg19) VCF-style: chr2-167168194-G-T.
Other names: c.73C>A, p.Gln25Lys (NM_002977.4); short protein forms Q25K.
Identifiers: ClinVar variation 893992 (VCV000893992.12), dbSNP rs200709311, ClinGen allele CA1944894.

ClinVar aggregate classification (germline): Uncertain significance. Review status: criteria provided, multiple submitters, no conflicts (2 of 4 stars). 5 submissions from 3 submitters: Uncertain significance (5). Last evaluated 2026-06-24.

Conditions:
SCN9A-related disorder. Also called: SCN9A-related condition; SCN9A-related disorders.
Paroxysmal extreme pain disorder (PEXPD). Also called: SCN9A Paroxysmal Extreme Pain Disorder (SCN9A-PEPD); PAIN, SUBMANDIBULAR, OCULAR, AND RECTAL, WITH FLUSHING; RECTAL PAIN, FAMILIAL. Identifiers: Orphanet 46348, MedGen C1833661, MONDO:0008179, OMIM 167400.
Primary erythromelalgia. Also called: primary erythermalgia; SCN9A Erythromelalgia (SCN9A-EM). Identifiers: Orphanet 306577, Orphanet 90026, MedGen C0014805, MONDO:0007571, OMIM 133020.
Neuropathy, hereditary sensory and autonomic, type 2A (HSAN2A). Also called: ACROOSTEOLYSIS, GIACCAI TYPE; ACROOSTEOLYSIS, NEUROGENIC; HSAN IIA; MORVAN DISEASE; NEUROPATHY, CONGENITAL SENSORY; NEUROPATHY, HEREDITARY SENSORY RADICULAR, AUTOSOMAL RECESSIVE. Identifiers: Orphanet 970, MedGen C2752089, MONDO:0024309, OMIM 201300.
Generalized epilepsy with febrile seizures plus, type 7 (GEFSP7). Also called: GEFS+, TYPE 7. Identifiers: Orphanet 36387, MedGen C2751778, MONDO:0013470, OMIM 613863.
Channelopathy-associated congenital insensitivity to pain, autosomal recessive. Also called: ASYMBOLIA FOR PAIN; Insensitivity to pain, channelopathy-associated; CONGENITAL ANALGESIA, AUTOSOMAL RECESSIVE. Identifiers: Orphanet 88642, Orphanet 970, MedGen C1855739, MONDO:0009459, OMIM 243000.

Allele frequency attached by ClinVar (database versions not stated): gnomAD exomes below 0.00001; ExAC 0.00001; gnomAD 0.00002; TOPMed 0.00002; ESP Exome Variant Server 0.00016.

Submissions (5):

PreventionGenetics, part of Exact Sciences
Classification: Uncertain significance for SCN9A-related condition. Last evaluated: 2026-06-24. Review status: criteria provided, single submitter. Criteria: ACMG Guidelines, 2015. Collection method: clinical testing. Allele origin: germline.
Comment: The SCN9A c.73C>A variant is predicted to result in the amino acid substitution p.Gln25Lys. To our knowledge, this variant has not been reported in the literature. This variant is reported in 0.00089% of alleles in individuals of European (non-Finnish) descent in gnomAD. At this time, the clinical significance of this variant is uncertain due to the absence of conclusive functional and genetic evidence.

Labcorp Genetics (formerly Invitae), Labcorp
Classification: Uncertain significance for Neuropathy, hereditary sensory and autonomic, type 2A; Generalized epilepsy with febrile seizures plus, type 7. Last evaluated: 2025-11-17. Review status: criteria provided, single submitter. Criteria: Invitae Variant Classification Sherloc (09022015). Collection method: clinical testing. Allele origin: germline.
Comment: This sequence change replaces glutamine, which is neutral and polar, with lysine, which is basic and polar, at codon 25 of the SCN9A protein (p.Gln25Lys). This variant is present in population databases (rs200709311, gnomAD 0.0009%). This variant has not been reported in the literature in individuals affected with SCN9A-related conditions. ClinVar contains an entry for this variant (Variation ID: 893992). Invitae Evidence Modeling of protein sequence and biophysical properties (such as structural, functional, and spatial information, amino acid conservation, physicochemical variation, residue mobility, and thermodynamic stability) has been performed for this missense variant. However, the output from this modeling did not meet the statistical confidence thresholds required to predict the impact of this variant on SCN9A protein function. In summary, the available evidence is currently insufficient to determine the role of this variant in disease. Therefore, it has been classified as a Variant of Uncertain Significance.

Illumina Laboratory Services, Illumina
Classification: Uncertain significance for Primary erythromelalgia. Last evaluated: 2018-01-13. Review status: criteria provided, single submitter. Criteria: ICSL Variant Classification Criteria 13 December 2019. Collection method: clinical testing. Allele origin: germline.

Illumina Laboratory Services, Illumina
Classification: Uncertain significance for Paroxysmal extreme pain disorder. Last evaluated: 2018-01-13. Review status: criteria provided, single submitter. Criteria: ICSL Variant Classification Criteria 13 December 2019. Collection method: clinical testing. Allele origin: germline.

Illumina Laboratory Services, Illumina
Classification: Uncertain significance for Channelopathy-associated congenital insensitivity to pain, autosomal recessive. Last evaluated: 2018-01-13. Review status: criteria provided, single submitter. Criteria: ICSL Variant Classification Criteria 13 December 2019. Collection method: clinical testing. Allele origin: germline.